The following is an entry in ClinVar:

NM_000548.5(TSC2):c.3184G>A (p.Val1062Ile)

Gene: TSC2 (TSC complex subunit 2; plus strand). Cytogenetic location: 16p13.3.
Variant type: single nucleotide variant.
Coding change: c.3184G>A on transcript NM_000548.5 (MANE Select); coding-DNA position 3184, G replaced by A.
Protein change: p.Val1062Ile; replaces valine 1062 with isoleucine.
Molecular consequence: missense variant. On other transcripts: non-coding transcript variant (5).
Genome position (GRCh38, 1-based): chr16:2,079,328, G>A. VCF-style: chr16-2079328-G-A. GRCh37 (hg19) VCF-style: chr16-2129329-G-A.
Other names: c.3052G>A, p.Val1018Ile (NM_001077183.3, NM_001370404.1, NM_001406665.1); c.3184G>A, p.Val1062Ile (NM_001114382.3); c.2944G>A, p.Val982Ile (NM_001318827.2); c.2908G>A, p.Val970Ile (NM_001318829.2); c.2452G>A, p.Val818Ile (NM_001318831.2, NM_001406687.1, NM_001406688.1); c.3085G>A, p.Val1029Ile (NM_001318832.2); c.3055G>A, p.Val1019Ile (NM_001363528.2, NM_001370405.1, NM_021055.3); c.3181G>A, p.Val1061Ile (NM_001406663.1, NM_001406664.1); and 18 more; short protein forms V1014I, V1018I, V1019I, V1029I, V1049I, V1061I, V819I, V865I.
Identifiers: ClinVar variation 3637218 (VCV003637218.3).

ClinVar aggregate classification (germline): Uncertain significance. Review status: criteria provided, multiple submitters, no conflicts (2 of 4 stars). 2 submissions from 2 submitters: Uncertain significance (2). Last evaluated 2026-07-20.

Conditions:
Tuberous sclerosis 2 (TSC2). Identifiers: Orphanet 805, MedGen C1860707, MONDO:0013199, OMIM 613254.
Hereditary cancer-predisposing syndrome. Also called: Hereditary neoplastic syndrome; Neoplastic Syndromes, Hereditary; Tumor predisposition; Hereditary Cancer Syndrome. Identifiers: Orphanet 140162, MedGen C0027672, MeSH D009386, MONDO:0015356.

Submissions (2):

Ambry Genetics
Classification: Uncertain significance for Hereditary cancer-predisposing syndrome. Last evaluated: 2026-07-20. Review status: criteria provided, single submitter. Criteria: Ambry Variant Classification Scheme 2023. Collection method: clinical testing. Allele origin: germline.
Comment: The p.V1062I variant (also known as c.3184G>A), located in coding exon 27 of the TSC2 gene, results from a G to A substitution at nucleotide position 3184. The valine at codon 1062 is replaced by isoleucine, an amino acid with highly similar properties. This amino acid position is conserved. In addition, the in silico prediction for this alteration is inconclusive. Based on the available evidence, the clinical significance of this variant remains unclear.

Labcorp Genetics (formerly Invitae), Labcorp
Classification: Uncertain significance for Tuberous sclerosis 2. Last evaluated: 2024-02-18. Review status: criteria provided, single submitter. Criteria: Invitae Variant Classification Sherloc (09022015). Collection method: clinical testing. Allele origin: germline.
Comment: This sequence change replaces valine, which is neutral and non-polar, with isoleucine, which is neutral and non-polar, at codon 1062 of the TSC2 protein (p.Val1062Ile). This variant is not present in population databases (gnomAD no frequency). This variant has not been reported in the literature in individuals affected with TSC2-related conditions. Advanced modeling of protein sequence and biophysical properties (such as structural, functional, and spatial information, amino acid conservation, physicochemical variation, residue mobility, and thermodynamic stability) performed at Invitae indicates that this missense variant is not expected to disrupt TSC2 protein function with a negative predictive value of 95%. In summary, the available evidence is currently insufficient to determine the role of this variant in disease. Therefore, it has been classified as a Variant of Uncertain Significance.